The following is an entry in ClinVar:

ClinVar aggregate classification (germline): Uncertain significance (1 of 4 stars; one submission).

Conditions:
Marfan syndrome (MFS). Also called: MARFAN SYNDROME, TYPE I; Marfan syndrome type 1; Marfan's syndrome; FBN1-Related Marfan Syndrome; Marfan syndrome, classic. Identifiers: Orphanet 284963, Orphanet 558, MedGen C0024796, MONDO:0007947, OMIM 154700.

Submission:

All of Us Research Program, National Institutes of Health
Classification: Uncertain significance for Marfan syndrome. Last evaluated: 2024-03-24. Review status: criteria provided, single submitter. Criteria: ACMG Guidelines, 2015. Collection method: clinical testing. Allele origin: germline. Inheritance: Autosomal dominant inheritance. Observed: 1 variant allele, 1 heterozygote.
Comment: This missense variant replaces threonine with asparagine at codon 2180 of the FBN1 protein. Computational prediction is inconclusive regarding the impact of this variant on protein structure and function (internally defined REVEL score threshold 0.5 < inconclusive < 0.7, PMID: 27666373). To our knowledge, functional studies have not been reported for this variant. This variant has not been reported in individuals affected with FBN1-related disorders in the literature. This variant has not been identified in the general population by the Genome Aggregation Database (gnomAD). The available evidence is insufficient to determine the role of this variant in disease conclusively. Therefore, this variant is classified as a Variant of Uncertain Significance.

This study involves interpretation of variants in research participants for the purpose of population health screening. Participant phenotype was not available at the time of variant classification. Additional details can be found in publication PMID: 35346344, PMCID: PMC8962531

NM_000138.5(FBN1):c.6539C>A (p.Thr2180Asn)

Gene: FBN1 (fibrillin 1; minus strand). Cytogenetic location: 15q21.1.
Variant type: single nucleotide variant.
Coding change: c.6539C>A on transcript NM_000138.5 (MANE Select); coding-DNA position 6539, C replaced by A.
Protein change: p.Thr2180Asn; replaces threonine 2180 with asparagine.
Molecular consequence: missense variant.
Genome position (GRCh38, 1-based): chr15:48,434,671, G>T on the plus strand (C>A on the coding strand, the complement: FBN1 is on the minus strand). VCF-style: chr15-48434671-G-T. GRCh37 (hg19) VCF-style: chr15-48726868-G-T.
Other names: c.6539C>A, p.Thr2180Asn (NM_001406716.1); short protein forms T2180N.
Identifiers: ClinVar variation 3386769 (VCV003386769.1).